The following is an entry in ClinVar:

NM_005120.3(MED12):c.3927C>A (p.Asp1309Glu)

Gene: MED12 (mediator complex subunit 12; plus strand). Cytogenetic location: Xq13.1.
Variant type: single nucleotide variant.
Coding change: c.3927C>A on transcript NM_005120.3 (MANE Select); coding-DNA position 3927, C replaced by A.
Protein change: p.Asp1309Glu; replaces aspartic acid 1309 with glutamic acid.
Molecular consequence: missense variant.
Genome position (GRCh38, 1-based): chrX:71,130,094, C>A. VCF-style: chrX-71130094-C-A. GRCh37 (hg19) VCF-style: chrX-70349944-C-A.
Other names: short protein forms D1309E.
Identifiers: ClinVar variation 2538859 (VCV002538859.2), dbSNP rs2519694918, ClinGen allele CA413523132.

ClinVar aggregate classification (germline): Likely pathogenic (1 of 4 stars; one submission).

Conditions:
Familial thoracic aortic aneurysm and aortic dissection (TAAD). Also called: Thoracic aortic aneurysms and dissections. Identifiers: Orphanet 91387, MedGen C4707243, MONDO:0019625.

Submission:

Ambry Genetics
Classification: Likely pathogenic for Familial thoracic aortic aneurysm and aortic dissection. Last evaluated: 2023-05-18. Review status: criteria provided, single submitter. Criteria: Ambry Variant Classification Scheme 2023. Collection method: clinical testing. Allele origin: germline.
Comment: The c.3927C>A (p.D1309E) alteration is located in exon 28 (coding exon 28) of the MED12 gene. This alteration results from a C to A substitution at nucleotide position 3927, causing the aspartic acid (D) at amino acid position 1309 to be replaced by a glutamic acid (E). This variant was not reported in population-based cohorts in the Genome Aggregation Database (gnomAD). This amino acid position is highly conserved in available vertebrate species. This missense alteration is located in a region that has a low rate of benign missense variation (Lek, 2016; Firth, 2009). The in silico prediction for this alteration is inconclusive. Based on the available evidence, this alteration is classified as likely pathogenic.